The following is an entry in ClinVar:

NM_015559.3(SETBP1):c.311A>G (p.Lys104Arg)

Gene: SETBP1 (SET binding protein 1; plus strand). Cytogenetic location: 18q12.3.
Variant type: single nucleotide variant.
Coding change: c.311A>G on transcript NM_015559.3 (MANE Select); coding-DNA position 311, A replaced by G.
Protein change: p.Lys104Arg; replaces lysine 104 with arginine.
Molecular consequence: missense variant.
Genome position (GRCh38, 1-based): chr18:44,701,657, A>G. VCF-style: chr18-44701657-A-G. GRCh37 (hg19) VCF-style: chr18-42281622-A-G.
Other names: c.311A>G, p.Lys104Arg (NM_001130110.2, NM_001379141.1, NM_001379142.1 and 1 more transcripts); short protein forms K104R.
Identifiers: ClinVar variation 2702828 (VCV002702828.3), dbSNP rs2511333447, ClinGen allele CA402481898.

ClinVar aggregate classification (germline): Uncertain significance (1 of 4 stars; one submission).

Submission:

Labcorp Genetics (formerly Invitae), Labcorp
Classification: Uncertain significance. Last evaluated: 2023-12-13. Review status: criteria provided, single submitter. Criteria: Invitae Variant Classification Sherloc (09022015). Collection method: clinical testing. Allele origin: germline.
Comment: This sequence change replaces lysine, which is basic and polar, with arginine, which is basic and polar, at codon 104 of the SETBP1 protein (p.Lys104Arg). This variant is not present in population databases (gnomAD no frequency). This variant has not been reported in the literature in individuals affected with SETBP1-related conditions. An algorithm developed to predict the effect of missense changes on protein structure and function (PolyPhen-2) suggests that this variant is likely to be disruptive. In summary, the available evidence is currently insufficient to determine the role of this variant in disease. Therefore, it has been classified as a Variant of Uncertain Significance.